The following is an entry in ClinVar:

ClinVar aggregate classification (germline): Likely pathogenic (1 of 4 stars; one submission).

Submission:

Dasa
Classification: Likely pathogenic. Last evaluated: 2025-06-27. Review status: criteria provided, single submitter. Criteria: DASA Assertion Criteria. Collection method: clinical testing. Allele origin: germline.
Comment: NM_000081.4(LYST):c.8122_8126delinsA (p.Tyr2708Argfs*2) is a frameshift variant in LYST predicted to alter the reading frame and introduce a premature termination codon and is predicted to result in an absent or altered protein product. Loss of function is an established disease mechanism for LYST-associated disorders. Also, this variant is absent from population databases. Based on the currently available evidence, this variant is classified as likely pathogenic.

NM_000081.4(LYST):c.8122_8126delinsA (p.Tyr2708fs)

Gene: LYST (lysosomal trafficking regulator; minus strand). Cytogenetic location: 1q42.3.
Variant type: Indel.
Coding change: c.8122_8126delinsA on transcript NM_000081.4 (MANE Select); coding-DNA positions 8122 to 8126, TATCT replaced by A.
Protein change: p.Tyr2708fs; shifts the reading frame from tyrosine 2708.
Molecular consequence: frameshift variant.
Genome position (GRCh38, 1-based): chr1:235,744,004-235,744,008, AGATA replaced by T on the plus strand (TATCT replaced by A on the coding strand, the reverse complement: LYST is on the minus strand). VCF-style: chr1-235744004-AGATA-T. GRCh37 (hg19) VCF-style: chr1-235907304-AGATA-T.
Other names: c.8122_8126delinsA, p.Tyr2708fs (NM_001301365.1); short protein forms Y2708fs.
Identifiers: ClinVar variation 4886556 (VCV004886556.2).